The following is an entry in ClinVar:

NM_000535.7(PMS2):c.16_17del (p.Ser6fs)

Gene: PMS2 (PMS1 homolog 2, mismatch repair system component; minus strand). Cytogenetic location: 7p22.1.
Variant type: Microsatellite.
Coding change: c.16_17del on transcript NM_000535.7 (MANE Select); coding-DNA positions 16 to 17, 2 bases deleted (AG; older notation c.16_17delAG).
Protein change: p.Ser6fs; shifts the reading frame from serine 6.
Molecular consequence: frameshift variant. On other transcripts: 5 prime UTR variant (45), non-coding transcript variant (1).
Genome position (GRCh38, 1-based): chr7:6,009,003-6,009,004, CT deleted on the plus strand (AG on the coding strand, the reverse complement: PMS2 is on the minus strand); deleting any 2 consecutive bases within chr7:6,009,003-6,009,007 gives the same sequence; the c. name uses the placement nearest the transcript's 3' end. VCF-style (leftmost placement, unchanged base first): chr7-6009002-GCT-G. GRCh37 (hg19) VCF-style: chr7-6048633-GCT-G.
Other names: c.-387AG[1] (NM_001322003.2, NM_001322013.2, NM_001406887.1 and 4 more transcripts); c.-252AG[1] (NM_001322004.2, NM_001322010.2, NM_001406911.1); c.-582AG[1] (NM_001322005.2); c.16_17del, p.Ser6fs (NM_001322006.2, NM_001322014.2, NM_001406866.1 and 11 more transcripts); c.-202AG[1] (NM_001322007.2, NM_001406876.1, NM_001406896.1 and 2 more transcripts); c.-62AG[1] (NM_001322008.2); c.-577AG[1] (NM_001322009.2, NM_001406897.1); c.-871AG[1] (NM_001322011.2); and 19 more; short protein forms S6fs.
Identifiers: ClinVar variation 5042330 (VCV005042330.1).

ClinVar aggregate classification (germline): Pathogenic (1 of 4 stars; one submission).

Conditions:
Lynch syndrome 4 (LYNCH4). Also called: Colorectal cancer, hereditary nonpolyposis, type 4; Hereditary non-polyposis colorectal cancer, type 4. Identifiers: Orphanet 144, MedGen C1838333, MONDO:0013699, OMIM 614337. Disease mechanism: loss of function.

Submission:

Myriad Genetics, Inc.
Classification: Pathogenic for Lynch syndrome 4. Last evaluated: 2026-07-15. Review status: criteria provided, single submitter. Criteria: Myriad Autosomal Dominant, Autosomal Recessive and X-Linked Classification Criteria (2023). Collection method: clinical testing. Allele origin: unknown.
Comment: This variant is considered pathogenic. This variant creates a frameshift predicted to result in premature protein truncation.